The following is an entry in ClinVar:

ClinVar aggregate classification (germline): Likely pathogenic (1 of 4 stars; one submission).

Conditions:
Inborn genetic diseases. Identifiers: MedGen C0950123, MeSH D030342.

Submission:

Ambry Genetics
Classification: Likely pathogenic for Inborn genetic diseases. Last evaluated: 2023-07-24. Review status: criteria provided, single submitter. Criteria: Ambry Variant Classification Scheme 2023. Collection method: clinical testing. Allele origin: germline.
Comment: The c.4606-1G>A intronic variant results from a G to A substitution one nucleotide before coding exon 30 of the CLTC gene. Alterations that disrupt the canonical splice site are expected to cause aberrant splicing, resulting in an abnormal protein or a transcript that is subject to nonsense-mediated mRNA decay. This variant was not reported in population-based cohorts in the Genome Aggregation Database (gnomAD). This nucleotide position is highly conserved in available vertebrate species. In silico splice site analysis predicts that this alteration will weaken the native splice acceptor site and will result in the creation or strengthening of a novel splice acceptor site. Based on the available evidence, this alteration is classified as likely pathogenic.

NM_004859.4(CLTC):c.4606-1G>A

Gene: CLTC (clathrin heavy chain; plus strand). Cytogenetic location: 17q23.1.
Variant type: single nucleotide variant.
Coding change: c.4606-1G>A on transcript NM_004859.4 (MANE Select); the canonical splice acceptor site of the intron before coding-DNA position 4606, G replaced by A.
Molecular consequence: splice acceptor variant.
Genome position (GRCh38, 1-based): chr17:59,685,586, G>A. VCF-style: chr17-59685586-G-A. GRCh37 (hg19) VCF-style: chr17-57762947-G-A.
Other names: c.4618-1G>A (NM_001288653.2).
Identifiers: ClinVar variation 2605776 (VCV002605776.2), dbSNP rs2509158550, ClinGen allele CA400422443.